The following is an entry in ClinVar:

ClinVar aggregate classification (germline): Uncertain significance (1 of 4 stars; one submission).

Allele frequency attached by ClinVar (database versions not stated): gnomAD 0.00001; ExAC 0.00002; gnomAD exomes 0.00001.
gnomAD v4.1: 19 of 1,613,964 alleles (0.0012%); highest among the groups gnomAD compares: East Asian, 0.0045%; no homozygotes.

Submission:

Labcorp Genetics (formerly Invitae), Labcorp
Classification: Uncertain significance. Last evaluated: 2022-08-19. Review status: criteria provided, single submitter. Criteria: Invitae Variant Classification Sherloc (09022015). Collection method: clinical testing. Allele origin: germline.
Comment: This sequence change affects codon 1403 of the COL7A1 mRNA. It is a 'silent' change, meaning that it does not change the encoded amino acid sequence of the COL7A1 protein. This variant is present in population databases (rs759186064, gnomAD 0.01%). This variant has not been reported in the literature in individuals affected with COL7A1-related conditions. ClinVar contains an entry for this variant (Variation ID: 1416661). Algorithms developed to predict the effect of sequence changes on RNA splicing suggest that this variant may disrupt the consensus splice site. In summary, the available evidence is currently insufficient to determine the role of this variant in disease. Therefore, it has been classified as a Variant of Uncertain Significance.

NM_000094.4(COL7A1):c.4209C>T (p.Gly1403=)

Gene: COL7A1 (collagen type VII alpha 1 chain; minus strand). Cytogenetic location: 3p21.31.
Variant type: single nucleotide variant.
Coding change: c.4209C>T on transcript NM_000094.4 (MANE Select); coding-DNA position 4209, C replaced by T.
Protein change: p.Gly1403=; no amino-acid change (glycine 1403 retained).
Molecular consequence: synonymous variant.
Genome position (GRCh38, 1-based): chr3:48,584,050, G>A on the plus strand (C>T on the coding strand, the complement: COL7A1 is on the minus strand). VCF-style: chr3-48584050-G-A. GRCh37 (hg19) VCF-style: chr3-48621483-G-A.
Identifiers: ClinVar variation 1416661 (VCV001416661.5), dbSNP rs759186064, ClinGen allele CA2380163.